The following is an entry in ClinVar:

ClinVar aggregate classification (germline): Uncertain significance (1 of 4 stars; one submission).

Submission:

Labcorp Genetics (formerly Invitae), Labcorp
Classification: Uncertain significance. Last evaluated: 2024-06-04. Review status: criteria provided, single submitter. Criteria: Invitae Variant Classification Sherloc (09022015). Collection method: clinical testing. Allele origin: germline.
Comment: This sequence change replaces leucine, which is neutral and non-polar, with phenylalanine, which is neutral and non-polar, at codon 221 of the YWHAG protein (p.Leu221Phe). This variant is not present in population databases (gnomAD no frequency). This variant has not been reported in the literature in individuals affected with YWHAG-related conditions. Advanced modeling of protein sequence and biophysical properties (such as structural, functional, and spatial information, amino acid conservation, physicochemical variation, residue mobility, and thermodynamic stability) performed at Invitae indicates that this missense variant is expected to disrupt YWHAG protein function with a positive predictive value of 80%. In summary, the available evidence is currently insufficient to determine the role of this variant in disease. Therefore, it has been classified as a Variant of Uncertain Significance.

NM_012479.4(YWHAG):c.661C>T (p.Leu221Phe)

Gene: YWHAG (tyrosine 3-monooxygenase/tryptophan 5-monooxygenase activation protein gamma; minus strand). Cytogenetic location: 7q11.23.
Variant type: single nucleotide variant.
Coding change: c.661C>T on transcript NM_012479.4 (MANE Select); coding-DNA position 661, C replaced by T.
Protein change: p.Leu221Phe; replaces leucine 221 with phenylalanine.
Molecular consequence: missense variant.
Genome position (GRCh38, 1-based): chr7:76,329,660, G>A on the plus strand (C>T on the coding strand, the complement: YWHAG is on the minus strand). VCF-style: chr7-76329660-G-A. GRCh37 (hg19) VCF-style: chr7-75958977-G-A.
Other names: short protein forms L221F.
Identifiers: ClinVar variation 3655424 (VCV003655424.2).